The following is an entry in ClinVar:

ClinVar aggregate classification (germline): Likely benign (0 of 4 stars; one submission).

Conditions:
TRRAP-related disorder. Also called: TRRAP-related condition.

Submission:

PreventionGenetics, part of Exact Sciences
Classification: Likely benign for TRRAP-related condition. Last evaluated: 2020-06-08. Review status: no assertion criteria provided. Collection method: clinical testing. Allele origin: germline.
Comment: This variant is classified as likely benign based on ACMG/AMP sequence variant interpretation guidelines (Richards et al. 2015 PMID: 25741868, with internal and published modifications).

NM_001375524.1(TRRAP):c.1506T>C (p.Pro502=)

Gene: TRRAP (transformation/transcription domain associated protein; plus strand). Cytogenetic location: 7q22.1.
Variant type: single nucleotide variant.
Coding change: c.1506T>C on transcript NM_001375524.1 (MANE Select); coding-DNA position 1506, T replaced by C.
Protein change: p.Pro502=; no amino-acid change (proline 502 retained).
Molecular consequence: synonymous variant.
Genome position (GRCh38, 1-based): chr7:98,910,211, T>C. VCF-style: chr7-98910211-T-C. GRCh37 (hg19) VCF-style: chr7-98507834-T-C.
Other names: c.1506T>C, p.Pro502= (NM_001244580.2, NM_003496.4).
Identifiers: ClinVar variation 3054153 (VCV003054153.2), dbSNP rs1214686697, ClinGen allele CA456871310.